The following is an entry in ClinVar:

ClinVar aggregate classification (germline): Uncertain significance (1 of 4 stars; one submission).

Conditions:
Multiple gastrointestinal atresias. Also called: FAMILIAL INTESTINAL POLYATRESIA SYNDROME; Multiple intestinal atresia. Identifiers: Orphanet 2300, MedGen C0220744, MONDO:0009465.

Submission:

Labcorp Genetics (formerly Invitae), Labcorp
Classification: Uncertain significance for Multiple gastrointestinal atresias. Last evaluated: 2022-04-10. Review status: criteria provided, single submitter. Criteria: Invitae Variant Classification Sherloc (09022015). Collection method: clinical testing. Allele origin: germline.
Comment: Algorithms developed to predict the effect of missense changes on protein structure and function are either unavailable or do not agree on the potential impact of this missense change (SIFT: "Deleterious"; PolyPhen-2: "Probably Damaging"; Align-GVGD: "Class C0"). In summary, the available evidence is currently insufficient to determine the role of this variant in disease. Therefore, it has been classified as a Variant of Uncertain Significance. This variant has not been reported in the literature in individuals affected with TTC7A-related conditions. This variant is not present in population databases (gnomAD no frequency). This sequence change replaces valine, which is neutral and non-polar, with methionine, which is neutral and non-polar, at codon 249 of the TTC7A protein (p.Val249Met).

NM_020458.4(TTC7A):c.745G>A (p.Val249Met)

Gene: TTC7A (tetratricopeptide repeat domain 7A; plus strand). Cytogenetic location: 2p21.
Variant type: single nucleotide variant.
Coding change: c.745G>A on transcript NM_020458.4 (MANE Select); coding-DNA position 745, G replaced by A.
Protein change: p.Val249Met; replaces valine 249 with methionine.
Molecular consequence: missense variant. On other transcripts: 5 prime UTR variant (1).
Genome position (GRCh38, 1-based): chr2:46,978,888, G>A. VCF-style: chr2-46978888-G-A. GRCh37 (hg19) VCF-style: chr2-47206027-G-A.
Other names: c.745G>A, p.Val249Met (NM_001288951.2); c.643G>A, p.Val215Met (NM_001288953.2); c.-160G>A (NM_001288955.2); short protein forms V215M, V249M.
Identifiers: ClinVar variation 2124262 (VCV002124262.4), dbSNP rs1244123250, ClinGen allele CA346723883.
Genomic context (GRCh38, chr2:46,978,888, plus strand): 5'-TGTCACCCGCTTGACTATGAGCTCACCTACTTCCTGGAAGCTGCCCTCCAGAGCGCCTAT[G>A]TGAAAAACCTGAAGAAGGGGTAGGTCACTGGTAGTTGAGTGAGTGGGAGAACGATTCCCC-3'
Protein context (NP_065191.2, residues 239-259): FLEAALQSAY[Val249Met]KNLKKGNIVK